The following is an entry in ClinVar:

ClinVar aggregate classification (germline): Uncertain significance (1 of 4 stars; one submission).

Allele frequency attached by ClinVar (database versions not stated): gnomAD exomes below 0.00001.
gnomAD v4.1: 1 of 1,614,132 alleles (0.000062%); highest among the groups gnomAD compares: Non-Finnish European, 0.000085%; no homozygotes.

Submission:

Labcorp Genetics (formerly Invitae), Labcorp
Classification: Uncertain significance. Last evaluated: 2022-06-27. Review status: criteria provided, single submitter. Criteria: Invitae Variant Classification Sherloc (09022015). Collection method: clinical testing. Allele origin: germline.
Comment: In summary, the available evidence is currently insufficient to determine the role of this variant in disease. Therefore, it has been classified as a Variant of Uncertain Significance. Algorithms developed to predict the effect of missense changes on protein structure and function output the following: SIFT: "Not Available"; PolyPhen-2: "Benign"; Align-GVGD: "Not Available". The aspartic acid amino acid residue is found in multiple mammalian species, which suggests that this missense change does not adversely affect protein function. This variant has not been reported in the literature in individuals affected with FAM186B-related conditions. This variant is not present in population databases (gnomAD no frequency). This sequence change replaces glycine with aspartic acid at codon 326 of the FAM186B protein (p.Gly326Asp). The glycine residue is moderately conserved and there is a moderate physicochemical difference between glycine and aspartic acid.

NM_032130.3(FAM186B):c.977G>A (p.Gly326Asp)

Gene: FAM186B (family with sequence similarity 186 member B; minus strand). Cytogenetic location: 12q13.12.
Variant type: single nucleotide variant.
Coding change: c.977G>A on transcript NM_032130.3 (MANE Select); coding-DNA position 977, G replaced by A.
Protein change: p.Gly326Asp; replaces glycine 326 with aspartic acid.
Molecular consequence: missense variant. On other transcripts: non-coding transcript variant (1).
Genome position (GRCh38, 1-based): chr12:49,600,663, C>T on the plus strand (G>A on the coding strand, the complement: FAM186B is on the minus strand). VCF-style: chr12-49600663-C-T. GRCh37 (hg19) VCF-style: chr12-49994446-C-T.
Other names: short protein forms G326D.
Identifiers: ClinVar variation 1467880 (VCV001467880.6), dbSNP rs2138294913, ClinGen allele CA384720253.
Genomic context (GRCh38, chr12:49,600,663, plus strand): 5'-GTCTCTCTCTCAGAGGGACCTGGGGAGTCAACAGAAACCTCAGCCAGGTCTTCTGCCTGA[C>T]CTGTAGCATTCTGAGCCTTCTTCAGCTGGAACTCCAAGGCCTGCTTCATCAGGAGAAGGT-3'
Protein context (NP_115506.1, residues 316-336): FQLKKAQNAT[Gly326Asp]QAEDLAEVSV